The following is an entry in ClinVar:

NM_005431.2(XRCC2):c.254A>C (p.Tyr85Ser)

Gene: XRCC2 (X-ray repair cross complementing 2; minus strand). Cytogenetic location: 7q36.1.
Variant type: single nucleotide variant.
Coding change: c.254A>C on transcript NM_005431.2 (MANE Select); coding-DNA position 254, A replaced by C.
Protein change: p.Tyr85Ser; replaces tyrosine 85 with serine.
Molecular consequence: missense variant.
Genome position (GRCh38, 1-based): chr7:152,649,231, T>G on the plus strand (A>C on the coding strand, the complement: XRCC2 is on the minus strand). VCF-style: chr7-152649231-T-G. GRCh37 (hg19) VCF-style: chr7-152346316-T-G.
Other names: p.Y85S:TAC>TCC; short protein forms Y85S.
Identifiers: ClinVar variation 182993 (VCV000182993.4), dbSNP rs730882042, ClinGen allele CA300469.

ClinVar aggregate classification (germline): Uncertain significance. Review status: criteria provided, multiple submitters, no conflicts (2 of 4 stars). 3 submissions from 3 submitters: Uncertain significance (3). Last evaluated 2025-08-02.

Conditions:
Hereditary cancer-predisposing syndrome. Also called: Tumor predisposition; Hereditary Cancer Syndrome; Hereditary neoplastic syndrome; Neoplastic Syndromes, Hereditary. Identifiers: Orphanet 140162, MedGen C0027672, MeSH D009386, MONDO:0015356.

Submissions (3):

Labcorp Genetics (formerly Invitae), Labcorp
Classification: Uncertain significance. Last evaluated: 2025-08-02. Review status: criteria provided, single submitter. Criteria: Invitae Variant Classification Sherloc (09022015). Collection method: clinical testing. Allele origin: germline.
Comment: This sequence change replaces tyrosine, which is neutral and polar, with serine, which is neutral and polar, at codon 85 of the XRCC2 protein (p.Tyr85Ser). This variant is not present in population databases (gnomAD no frequency). This variant has not been reported in the literature in individuals affected with XRCC2-related conditions. ClinVar contains an entry for this variant (Variation ID: 182993). Invitae Evidence Modeling of protein sequence and biophysical properties (such as structural, functional, and spatial information, amino acid conservation, physicochemical variation, residue mobility, and thermodynamic stability) indicates that this missense variant is not expected to disrupt XRCC2 protein function with a negative predictive value of 80%. In summary, the available evidence is currently insufficient to determine the role of this variant in disease. Therefore, it has been classified as a Variant of Uncertain Significance.

Ambry Genetics
Classification: Uncertain significance for Hereditary cancer-predisposing syndrome. Last evaluated: 2023-11-10. Review status: criteria provided, single submitter. Criteria: Ambry Variant Classification Scheme 2023. Collection method: clinical testing. Allele origin: germline.
Comment: The p.Y85S variant (also known as c.254A>C), located in coding exon 3 of the XRCC2 gene, results from an A to C substitution at nucleotide position 254. The tyrosine at codon 85 is replaced by serine, an amino acid with dissimilar properties. This amino acid position is conserved. In addition, this alteration is predicted to be tolerated by in silico analysis. Since supporting evidence is limited at this time, the clinical significance of this alteration remains unclear.

GeneDx
Classification: Uncertain significance. Last evaluated: 2014-06-04. Review status: criteria provided, single submitter. Criteria: GeneDx Variant Classification (06012015). Collection method: clinical testing. Allele origin: germline. Affected: yes.
Comment: This variant is denoted XRCC2 c.254A>C at the cDNA level, p.Tyr85Ser (Y85S) at the protein level, and results in the change of a Tyrosine to a Serine (TAC>TCC). This variant has not, to our knowledge, been published in the literature as pathogenic or benign. XRCC2 Tyr85Ser was not observed in approximately 6,500 individuals of European and African American ancestry in the NHLBI Exome Sequencing Project, indicating it is not a common benign variant in these populations. Since Tyrosine and Serine differ in some properties, this is considered a semi-conservative amino acid substitution. XRCC2 Tyr85Ser occurs at a position that is moderately conserved across species and is not located in a known functional domain. In addition, in silico analyses are inconsistent regarding the effect this variant may have on protein structure and function. Based on currently available information, it is unclear whether XRCC2 Tyr85Ser is pathogenic or benign. We consider it to be a variant of uncertain significance.